The following is an entry in ClinVar:

ClinVar aggregate classification (germline): Benign/Likely benign. Review status: criteria provided, multiple submitters, no conflicts (2 of 4 stars). 4 submissions from 4 submitters: Benign (2); Likely benign (2). Last evaluated 2026-02-03.

Conditions:
Hereditary hyperekplexia. Identifiers: Orphanet 3197, MedGen C4084968, MONDO:0021022.
Hyperekplexia 1 (STHE). Also called: HYPEREKPLEXIA 1, AUTOSOMAL DOMINANT; HYPEREKPLEXIA 1, AUTOSOMAL RECESSIVE; EXAGGERATED STARTLE REACTION; KOK DISEASE; STARTLE DISEASE, FAMILIAL; STIFF-BABY SYNDROME. Identifiers: Orphanet 3197, MedGen C4551954, MONDO:0007868, OMIM 149400.

Allele frequency attached by ClinVar (database versions not stated): 1000 Genomes Project 0.00839; 1000 Genomes Project 30x 0.00953; gnomAD 0.01512 and 0.01573; TOPMed 0.01535; gnomAD exomes 0.01623 and 0.02075; ExAC 0.01688; ESP Exome Variant Server 0.01784.
gnomAD v4.1: 32,546 of 1,613,964 alleles (2%); highest among the groups gnomAD compares: Non-Finnish European, 2.4%; 412 homozygotes.

Submissions (4):

Labcorp Genetics (formerly Invitae), Labcorp
Classification: Benign for Hereditary hyperekplexia. Last evaluated: 2026-02-03. Review status: criteria provided, single submitter. Criteria: Invitae Variant Classification Sherloc (09022015). Collection method: clinical testing. Allele origin: germline.

GeneDx
Classification: Likely benign. Last evaluated: 2020-10-29. Review status: criteria provided, single submitter. Criteria: GeneDx Variant Classification Process June 2021. Collection method: clinical testing. Allele origin: germline. Affected: yes.

Illumina Laboratory Services, Illumina
Classification: Benign for Hyperekplexia 1. Last evaluated: 2018-01-13. Review status: criteria provided, single submitter. Criteria: ICSL Variant Classification Criteria 13 December 2019. Collection method: clinical testing. Allele origin: germline.
Comment: This variant was observed in the ICSL laboratory as part of a predisposition screen in an ostensibly healthy population. It had not been previously curated by ICSL or reported in the Human Gene Mutation Database (HGMD: prior to June 1st, 2018), and was therefore a candidate for classification through an automated scoring system. Utilizing variant allele frequency, disease prevalence and penetrance estimates, and inheritance mode, an automated score was calculated to assess if this variant is too frequent to cause the disease. Based on the score and internal cut-off values, a variant classified as benign is not then subjected to further curation. The score for this variant resulted in a classification of benign for this disease.

Breakthrough Genomics
Classification: Likely benign. Review status: criteria provided, single submitter. Criteria: ACMG Guidelines, 2015. Collection method: not provided. Allele origin: germline. Inheritance: Autosomal dominant inheritance. Affected: yes.

NM_000171.4(GLRA1):c.1041G>A (p.Arg347=)

Gene: GLRA1 (glycine receptor alpha 1; minus strand). Cytogenetic location: 5q33.1.
Variant type: single nucleotide variant.
Coding change: c.1041G>A on transcript NM_000171.4 (MANE Select); coding-DNA position 1041, G replaced by A.
Protein change: p.Arg347=; no amino-acid change (arginine 347 retained).
Molecular consequence: synonymous variant.
Genome position (GRCh38, 1-based): chr5:151,828,939, C>T on the plus strand (G>A on the coding strand, the complement: GLRA1 is on the minus strand). VCF-style: chr5-151828939-C-T. GRCh37 (hg19) VCF-style: chr5-151208500-C-T.
Other names: c.1041G>A, p.Arg347= (NM_001146040.2); c.792G>A, p.Arg264= (NM_001292000.2).
Identifiers: ClinVar variation 352310 (VCV000352310.18), dbSNP rs75463357, ClinGen allele CA3523550.